The following is an entry in ClinVar:

NM_000218.3(KCNQ1):c.1739G>A (p.Ser580Asn)

Gene: KCNQ1 (potassium voltage-gated channel subfamily Q member 1; plus strand). Cytogenetic location: 11p15.5.
Variant type: single nucleotide variant.
Coding change: c.1739G>A on transcript NM_000218.3 (MANE Select); coding-DNA position 1739, G replaced by A.
Protein change: p.Ser580Asn; replaces serine 580 with asparagine.
Molecular consequence: missense variant.
Genome position (GRCh38, 1-based): chr11:2,777,982, G>A. VCF-style: chr11-2777982-G-A. GRCh37 (hg19) VCF-style: chr11-2799212-G-A.
Other names: c.1643G>A, p.Ser548Asn (NM_001406836.1); c.1469G>A, p.Ser490Asn (NM_001406837.1); c.1199G>A, p.Ser400Asn (NM_001406838.1); c.251G>A, p.Ser84Asn (NM_001406839.1); c.1358G>A, p.Ser453Asn (NM_181798.2); short protein forms S490N, S400N, S453N, S548N, S580N, S84N.
Identifiers: ClinVar variation 2706759 (VCV002706759.3), dbSNP rs1364690727, ClinGen allele CA379139604.
Genomic context (GRCh38, chr11:2,777,982, plus strand): 5'-GTCCCCGGCCCACCCCAGCACTTGGCCCTGATTTGGGTGTTTTATCCCCCATAGAAAAGA[G>A]CAAGGATCGCGGCAGCAACACGATCGGCGCCCGCCTGAACCGAGTAGAAGACAAGGTAGG-3'
Protein context (NP_000209.2, residues 570-590): PSLFISVSEK[Ser580Asn]KDRGSNTIGA

ClinVar aggregate classification (germline): Uncertain significance (1 of 4 stars; one submission).

Conditions:
Long QT syndrome (LQTS). Identifiers: MedGen C0023976, MeSH D008133, MONDO:0002442. Disease mechanism: loss of function. Inheritance: Various modes of inheritance.

Allele frequency attached by ClinVar (database versions not stated): gnomAD exomes below 0.00001; TOPMed 0.00001.
gnomAD v4.1: 5 of 1,613,874 alleles (0.00031%); highest among the groups gnomAD compares: Non-Finnish European, 0.00042%; no homozygotes.

Submission:

Labcorp Genetics (formerly Invitae), Labcorp
Classification: Uncertain significance for Long QT syndrome. Last evaluated: 2024-01-08. Review status: criteria provided, single submitter. Criteria: Invitae Variant Classification Sherloc (09022015). Collection method: clinical testing. Allele origin: germline.
Comment: This sequence change replaces serine, which is neutral and polar, with asparagine, which is neutral and polar, at codon 580 of the KCNQ1 protein (p.Ser580Asn). This variant is present in population databases (no rsID available, gnomAD 0.0009%). This variant has not been reported in the literature in individuals affected with KCNQ1-related conditions. Algorithms developed to predict the effect of missense changes on protein structure and function output the following: SIFT: "Not Available"; PolyPhen-2: "Benign"; Align-GVGD: "Not Available". The asparagine amino acid residue is found in multiple mammalian species, which suggests that this missense change does not adversely affect protein function. In summary, the available evidence is currently insufficient to determine the role of this variant in disease. Therefore, it has been classified as a Variant of Uncertain Significance.